The following is an entry in ClinVar:

NM_000062.3(SERPING1):c.551-3C>G

Gene: SERPING1 (serpin family G member 1; plus strand). Cytogenetic location: 11q12.1.
Variant type: single nucleotide variant.
Coding change: c.551-3C>G on transcript NM_000062.3 (MANE Select); 3 bases into the intron before coding-DNA position 551, C replaced by G.
Molecular consequence: intron variant.
Genome position (GRCh38, 1-based): chr11:57,602,032, C>G. VCF-style: chr11-57602032-C-G. GRCh37 (hg19) VCF-style: chr11-57369505-C-G.
Other names: c.551-3C>G (NM_001032295.2).
Identifiers: ClinVar variation 3721031 (VCV003721031.2).

ClinVar aggregate classification (germline): Uncertain significance (1 of 4 stars; one submission).

Submission:

Labcorp Genetics (formerly Invitae), Labcorp
Classification: Uncertain significance. Last evaluated: 2024-10-11. Review status: criteria provided, single submitter. Criteria: Invitae Variant Classification Sherloc (09022015). Collection method: clinical testing. Allele origin: germline.
Comment: This sequence change falls in intron 3 of the SERPING1 gene. It does not directly change the encoded amino acid sequence of the SERPING1 protein. It affects a nucleotide within the consensus splice site. This variant is not present in population databases (gnomAD no frequency). This variant has been observed in individual(s) with hereditary angioedema (PMID: 18758157). Variants that disrupt the consensus splice site are a relatively common cause of aberrant splicing (PMID: 17576681, 9536098). Algorithms developed to predict the effect of sequence changes on RNA splicing suggest that this variant may disrupt the consensus splice site. In summary, the available evidence is currently insufficient to determine the role of this variant in disease. Therefore, it has been classified as a Variant of Uncertain Significance.

Literature cited by the submitters: PubMed 18758157; PubMed 17576681; PubMed 9536098.